The following is an entry in ClinVar:

NM_000414.4(HSD17B4):c.54G>A (p.Gly18=)

Genes: HSD17B4 (hydroxysteroid 17-beta dehydrogenase 4; plus strand), LOC129994460 (ATAC-STARR-seq lymphoblastoid active region 22989; plus strand). Cytogenetic location: 5q23.1.
Variant type: single nucleotide variant.
Coding change: c.54G>A on transcript NM_000414.4 (MANE Select); coding-DNA position 54, G replaced by A.
Protein change: p.Gly18=; no amino-acid change (glycine 18 retained).
Molecular consequence: synonymous variant. On other transcripts: 5 prime UTR variant (8), non-coding transcript variant (2).
Genome position (GRCh38, 1-based): chr5:119,452,629, G>A. VCF-style: chr5-119452629-G-A. GRCh37 (hg19) VCF-style: chr5-118788324-G-A.
Other names: c.-125G>A (NM_001199291.3); c.54G>A, p.Gly18= (NM_001199292.2, NM_001374497.1, NM_001374498.1); c.-84G>A (NM_001292027.2); c.-546G>A (NM_001292028.2, NM_001374501.1); c.-480G>A (NM_001374499.1); c.-673G>A (NM_001374500.1); c.-551G>A (NM_001374502.1); c.-616G>A (NM_001374503.1); and 1 more.
Identifiers: ClinVar variation 1121026 (VCV001121026.12), dbSNP rs769227162, ClinGen allele CA3381593.
Genomic context (GRCh38, chr5:119,452,629, plus strand): 5'-CTTATTCATGGGCTCACCGCTGAGGTTCGACGGGCGGGTGGTACTGGTCACCGGCGCGGG[G>A]GCAGGTGAGCATGCGAAGGTTGGAGGCCGCGCCCCTTGCTGAGGCGCAGCTGGCTGCTCT-3'
Protein context (NP_000405.1, residues 8-28): DGRVVLVTGA[Gly18=]AGLGRAYALA

ClinVar aggregate classification (germline): Likely benign. Review status: criteria provided, multiple submitters, no conflicts (2 of 4 stars). 4 submissions from 4 submitters: Likely benign (3). 1 of the submissions does not count toward it. Last evaluated 2025-12-29.

Conditions:
Bifunctional peroxisomal enzyme deficiency (DBIF). Also called: DBP DEFICIENCY; PBFE DEFICIENCY; D-bifunctional protein deficiency. Identifiers: Orphanet 300, MedGen C0342870, MONDO:0009855, OMIM 261515. Disease mechanism: loss of function.
Perrault syndrome. Also called: Gonadal dysgenesis with auditory dysfunction, autosomal recessive inheritance. Identifiers: Orphanet 2855, MedGen C0685838, MONDO:0017312.
HSD17B4-related disorder. Also called: HSD17B4-related condition; HSD17B4-related disorders.

Allele frequency attached by ClinVar (database versions not stated): gnomAD 0.00003 and 0.00004; TOPMed 0.00005; gnomAD exomes 0.00007; ExAC 0.00012.
gnomAD v4.1: 85 of 1,613,792 alleles (0.0053%); highest among the groups gnomAD compares: Middle Eastern, 0.033%; no homozygotes.

Submissions (4):

Labcorp Genetics (formerly Invitae), Labcorp
Classification: Likely benign for Perrault syndrome; Bifunctional peroxisomal enzyme deficiency. Last evaluated: 2025-12-29. Review status: criteria provided, single submitter. Criteria: Invitae Variant Classification Sherloc (09022015). Collection method: clinical testing. Allele origin: germline.

Blueprint Genetics
Classification: Likely benign. Last evaluated: 2024-06-07. Review status: criteria provided, single submitter. Criteria: ACMG Guidelines, 2015. Collection method: clinical testing. Allele origin: germline.

Breakthrough Genomics
Classification: Likely benign. Review status: criteria provided, single submitter. Criteria: ACMG Guidelines, 2015. Collection method: not provided. Allele origin: germline. Inheritance: Autosomal recessive inheritance. Affected: yes.

PreventionGenetics, part of Exact Sciences
Classification: Likely benign for HSD17B4-related condition. Last evaluated: 2024-06-02. Review status: no assertion criteria provided. Collection method: clinical testing. Allele origin: germline. Not counted in ClinVar's aggregate classification.
Comment: This variant is classified as likely benign based on ACMG/AMP sequence variant interpretation guidelines (Richards et al. 2015 PMID: 25741868, with internal and published modifications).